The following is an entry in ClinVar:

ClinVar aggregate classification (germline): Conflicting classifications of pathogenicity. Review status: criteria provided, conflicting classifications (1 of 4 stars). 2 submissions from 2 submitters: Uncertain significance (1); Likely benign (1). Last evaluated 2025-09-01.

Conditions:
Inborn genetic diseases. Identifiers: MedGen C0950123, MeSH D030342.

gnomAD v4.1: 7 of 1,452,486 alleles (0.00048%); highest among the groups gnomAD compares: Non-Finnish European, 0.00054%; no homozygotes.

Submissions (2):

CeGaT Center for Human Genetics Tuebingen
Classification: Uncertain significance. Last evaluated: 2025-09-01. Review status: criteria provided, single submitter. Criteria: CeGaT Center For Human Genetics Tuebingen Variant Classification Criteria Version 2. Collection method: clinical testing. Allele origin: germline. Affected: yes. Observed: 1 variant allele.
Comment: PKD1: PM2

Ambry Genetics
Classification: Likely benign for Inborn genetic diseases. Last evaluated: 2025-06-23. Review status: criteria provided, single submitter. Criteria: Ambry Variant Classification Scheme 2023. Collection method: clinical testing. Allele origin: germline.

NM_001009944.3(PKD1):c.11734G>T (p.Val3912Leu)

Gene: PKD1 (polycystin 1, transient receptor potential channel interacting; minus strand). Cytogenetic location: 16p13.3.
Variant type: single nucleotide variant.
Coding change: c.11734G>T on transcript NM_001009944.3 (MANE Select); coding-DNA position 11734, G replaced by T.
Protein change: p.Val3912Leu; replaces valine 3912 with leucine.
Molecular consequence: missense variant.
Genome position (GRCh38, 1-based): chr16:2,091,153, C>A on the plus strand (G>T on the coding strand, the complement: PKD1 is on the minus strand). VCF-style: chr16-2091153-C-A. GRCh37 (hg19) VCF-style: chr16-2141154-C-A.
Other names: c.11731G>T, p.Val3911Leu (NM_000296.4); short protein forms V3912L, V3911L.
Identifiers: ClinVar variation 4137456 (VCV004137456.8).